The following is an entry in ClinVar:

NM_176824.3(BBS7):c.1604C>T (p.Pro535Leu)

Gene: BBS7 (Bardet-Biedl syndrome 7; minus strand). Cytogenetic location: 4q27.
Variant type: single nucleotide variant.
Coding change: c.1604C>T on transcript NM_176824.3 (MANE Select); coding-DNA position 1604, C replaced by T.
Protein change: p.Pro535Leu; replaces proline 535 with leucine.
Molecular consequence: missense variant.
Genome position (GRCh38, 1-based): chr4:121,833,303, G>A on the plus strand (C>T on the coding strand, the complement: BBS7 is on the minus strand). VCF-style: chr4-121833303-G-A. GRCh37 (hg19) VCF-style: chr4-122754458-G-A.
Other names: c.1604C>T, p.Pro535Leu (NM_018190.4); short protein forms P535L.
Identifiers: ClinVar variation 965667 (VCV000965667.4), dbSNP rs1725285743, ClinGen allele CA358057572.
Genomic context (GRCh38, chr4:121,833,303, plus strand): 5'-TCAAGTTGTGTATCTAGAAAGGTGTTCTGAAAGTAAAATGTCACACATTCTCCTGCTGGA[G>A]GTTTTTCTGGAACTTCAGGCAGACAAAAAACCACCCAGGAGTGAACTTCAGCAAAACTGA-3'
Protein context (NP_789794.1, residues 525-545): VFCLPEVPEK[Pro535Leu]PAGECVTFYF

ClinVar aggregate classification (germline): Uncertain significance (1 of 4 stars; one submission).

Conditions:
Bardet-Biedl syndrome (BBS). Identifiers: Orphanet 110, MedGen C0752166, MONDO:0015229.

gnomAD v4.1: 1 of 1,613,920 alleles (0.000062%); highest among the groups gnomAD compares: Non-Finnish European, 0.000085%; no homozygotes.

Submission:

Labcorp Genetics (formerly Invitae), Labcorp
Classification: Uncertain significance for Bardet-Biedl syndrome. Last evaluated: 2021-08-27. Review status: criteria provided, single submitter. Criteria: Invitae Variant Classification Sherloc (09022015). Collection method: clinical testing. Allele origin: germline.
Comment: This sequence change replaces proline with leucine at codon 535 of the BBS7 protein (p.Pro535Leu). The proline residue is moderately conserved and there is a moderate physicochemical difference between proline and leucine. This variant is not present in population databases (ExAC no frequency). This variant has not been reported in the literature in individuals affected with BBS7-related conditions. Algorithms developed to predict the effect of missense changes on protein structure and function (SIFT, PolyPhen-2, Align-GVGD) all suggest that this variant is likely to be tolerated. In summary, the available evidence is currently insufficient to determine the role of this variant in disease. Therefore, it has been classified as a Variant of Uncertain Significance.